The following is an entry in ClinVar:

NM_007294.4(BRCA1):c.4153C>G (p.Leu1385Val)

Gene: BRCA1 (BRCA1 DNA repair associated; minus strand). Cytogenetic location: 17q21.31.
Variant type: single nucleotide variant.
Coding change: c.4153C>G on transcript NM_007294.4 (MANE Select); coding-DNA position 4153, C replaced by G.
Protein change: p.Leu1385Val; replaces leucine 1385 with valine.
Molecular consequence: missense variant. On other transcripts: non-coding transcript variant (1).
Genome position (GRCh38, 1-based): chr17:43,090,976, G>C on the plus strand (C>G on the coding strand, the complement: BRCA1 is on the minus strand). VCF-style: chr17-43090976-G-C. GRCh37 (hg19) VCF-style: chr17-41242993-G-C.
Other names: c.4150C>G, p.Leu1384Val (NM_001407612.1, NM_001407613.1, NM_001407614.1 and 22 more transcripts); c.4153C>G, p.Leu1385Val (NM_001407616.1, NM_001407617.1, NM_001407618.1 and 30 more transcripts); c.4075C>G, p.Leu1359Val (NM_001407653.1, NM_001407654.1, NM_001407655.1 and 4 more transcripts); c.4072C>G, p.Leu1358Val (NM_001407659.1, NM_001407660.1, NM_001407661.1 and 1 more transcripts); c.4027C>G, p.Leu1343Val (NM_001407672.1, NM_001407673.1, NM_001407691.1 and 11 more transcripts); c.4030C>G, p.Leu1344Val (NM_001407674.1, NM_001407675.1, NM_001407676.1 and 19 more transcripts); c.4012C>G, p.Leu1338Val (NM_001407692.1, NM_001407694.1, NM_001407695.1 and 29 more transcripts); c.4009C>G, p.Leu1337Val (NM_001407740.1, NM_001407741.1, NM_001407742.1 and 20 more transcripts); and 41 more; short protein forms L1385V, L1338V, L282V, L1257V, L1274V, L1296V, L1358V, L154V.
Identifiers: ClinVar variation 1497111 (VCV001497111.10), dbSNP rs2154253619, ClinGen allele CA10593416.

ClinVar aggregate classification (germline): Uncertain significance. Review status: criteria provided, multiple submitters, no conflicts (2 of 4 stars). 2 submissions from 2 submitters: Uncertain significance (2). Last evaluated 2023-09-16.

Conditions:
Hereditary cancer-predisposing syndrome. Also called: Tumor predisposition; Hereditary neoplastic syndrome; Neoplastic Syndromes, Hereditary; Hereditary Cancer Syndrome. Identifiers: Orphanet 140162, MedGen C0027672, MeSH D009386, MONDO:0015356.
Hereditary breast ovarian cancer syndrome. Also called: BRCA1- and BRCA2-Associated Hereditary Breast and Ovarian Cancer; Hereditary breast and ovarian cancer; Hereditary breast and/or ovarian cancer syndrome; Hereditary breast and ovarian cancer syndrome; Hereditary breast and ovarian cancer syndrome (HBOC); Breast and ovarian cancer. Identifiers: Orphanet 145, MedGen C0677776, MeSH D061325, MONDO:0003582. Disease mechanism: loss of function.

Submissions (2):

Ambry Genetics
Classification: Uncertain significance for Hereditary cancer-predisposing syndrome. Last evaluated: 2023-09-16. Review status: criteria provided, single submitter. Criteria: Ambry Variant Classification Scheme 2023. Collection method: clinical testing. Allele origin: germline.
Comment: The p.L1385V variant (also known as c.4153C>G), located in coding exon 10 of the BRCA1 gene, results from a C to G substitution at nucleotide position 4153. The leucine at codon 1385 is replaced by valine, an amino acid with highly similar properties. This amino acid position is conserved. In addition, the in silico prediction for this alteration is inconclusive. Since supporting evidence is limited at this time, the clinical significance of this alteration remains unclear.

Labcorp Genetics (formerly Invitae), Labcorp
Classification: Uncertain significance for Hereditary breast ovarian cancer syndrome. Last evaluated: 2020-11-06. Review status: criteria provided, single submitter. Criteria: Invitae Variant Classification Sherloc (09022015). Collection method: clinical testing. Allele origin: germline.
Comment: Advanced modeling of protein sequence and biophysical properties (such as structural, functional, and spatial information, amino acid conservation, physicochemical variation, residue mobility, and thermodynamic stability) performed at Invitae indicates that this missense variant is not expected to disrupt BRCA1 protein function. In summary, the available evidence is currently insufficient to determine the role of this variant in disease. Therefore, it has been classified as a Variant of Uncertain Significance. Algorithms developed to predict the effect of sequence changes on RNA splicing suggest that this variant may create or strengthen a splice site, but this prediction has not been confirmed by published transcriptional studies. This variant has not been reported in the literature in individuals with BRCA1-related conditions. This variant is not present in population databases (ExAC no frequency). This sequence change replaces leucine with valine at codon 1385 of the BRCA1 protein (p.Leu1385Val). The leucine residue is moderately conserved and there is a small physicochemical difference between leucine and valine.